The following is an entry in ClinVar:

NM_017837.4(PIGV):c.130C>T (p.Pro44Ser)

Gene: PIGV (phosphatidylinositol glycan anchor biosynthesis class V; plus strand). Cytogenetic location: 1p36.11.
Variant type: single nucleotide variant.
Coding change: c.130C>T on transcript NM_017837.4 (MANE Select); coding-DNA position 130, C replaced by T.
Protein change: p.Pro44Ser; replaces proline 44 with serine.
Molecular consequence: missense variant. On other transcripts: 5 prime UTR variant (1), non-coding transcript variant (2), intron variant (1).
Genome position (GRCh38, 1-based): chr1:26,794,164, C>T. VCF-style: chr1-26794164-C-T. GRCh37 (hg19) VCF-style: chr1-27120655-C-T.
Other names: c.130C>T, p.Pro44Ser (NM_001202554.2, NM_001374478.1, NM_001374480.1 and 4 more transcripts); c.-252C>T (NM_001374483.1); c.78+3271C>T (NM_001374486.1); short protein forms P44S.
Identifiers: ClinVar variation 1357148 (VCV001357148.8), dbSNP rs2124193175, ClinGen allele CA339198514.

ClinVar aggregate classification (germline): Uncertain significance (1 of 4 stars; one submission).

Allele frequency attached by ClinVar (database versions not stated): gnomAD exomes below 0.00001.
gnomAD v4.1: 2 of 1,614,250 alleles (0.00012%); highest among the groups gnomAD compares: Non-Finnish European, 0.00017%; no homozygotes.

Submission:

Labcorp Genetics (formerly Invitae), Labcorp
Classification: Uncertain significance. Last evaluated: 2021-05-29. Review status: criteria provided, single submitter. Criteria: Invitae Variant Classification Sherloc (09022015). Collection method: clinical testing. Allele origin: germline.
Comment: This variant has not been reported in the literature in individuals with PIGV-related conditions. In summary, the available evidence is currently insufficient to determine the role of this variant in disease. Therefore, it has been classified as a Variant of Uncertain Significance. Algorithms developed to predict the effect of missense changes on protein structure and function are either unavailable or do not agree on the potential impact of this missense change (SIFT: "Tolerated"; PolyPhen-2: "Probably Damaging"; Align-GVGD: "Class C0"). This variant is not present in population databases (ExAC no frequency). This sequence change replaces proline with serine at codon 44 of the PIGV protein (p.Pro44Ser). The proline residue is highly conserved and there is a moderate physicochemical difference between proline and serine.